The following is an entry in ClinVar:

ClinVar aggregate classification (germline): Uncertain significance (1 of 4 stars; one submission).

Conditions:
Ullrich congenital muscular dystrophy 2 (UCMD2). Identifiers: Orphanet 75840, MedGen C4225314, MONDO:0014654, OMIM 616470.
Bethlem myopathy 2 (BTHLM2). Identifiers: Orphanet 536516, Orphanet 610, MedGen C4225313, MONDO:0034022, OMIM 616471.

Submission:

Labcorp Genetics (formerly Invitae), Labcorp
Classification: Uncertain significance for Bethlem myopathy 2; Ullrich congenital muscular dystrophy 2. Last evaluated: 2025-03-26. Review status: criteria provided, single submitter. Criteria: Invitae Variant Classification Sherloc (09022015). Collection method: clinical testing. Allele origin: germline.
Comment: This sequence change replaces aspartic acid, which is acidic and polar, with asparagine, which is neutral and polar, at codon 672 of the COL12A1 protein (p.Asp672Asn). This variant is not present in population databases (gnomAD no frequency). This variant has not been reported in the literature in individuals affected with COL12A1-related conditions. ClinVar contains an entry for this variant (Variation ID: 1525893). Invitae Evidence Modeling of protein sequence and biophysical properties (such as structural, functional, and spatial information, amino acid conservation, physicochemical variation, residue mobility, and thermodynamic stability) indicates that this missense variant is not expected to disrupt COL12A1 protein function with a negative predictive value of 80%. In summary, the available evidence is currently insufficient to determine the role of this variant in disease. Therefore, it has been classified as a Variant of Uncertain Significance.

NM_004370.6(COL12A1):c.2014G>A (p.Asp672Asn)

Gene: COL12A1 (collagen type XII alpha 1 chain; minus strand). Cytogenetic location: 6q13.
Variant type: single nucleotide variant.
Coding change: c.2014G>A on transcript NM_004370.6 (MANE Select); coding-DNA position 2014, G replaced by A.
Protein change: p.Asp672Asn; replaces aspartic acid 672 with asparagine.
Molecular consequence: missense variant. On other transcripts: intron variant (1).
Genome position (GRCh38, 1-based): chr6:75,181,089, C>T on the plus strand (G>A on the coding strand, the complement: COL12A1 is on the minus strand). VCF-style: chr6-75181089-C-T. GRCh37 (hg19) VCF-style: chr6-75890805-C-T.
Other names: c.73+21631G>A (NM_080645.3); short protein forms D672N.
Identifiers: ClinVar variation 1525893 (VCV001525893.6), dbSNP rs1233438359, ClinGen allele CA364767107.